The following is an entry in ClinVar:

NM_000587.4(C7):c.2104T>C (p.Cys702Arg)

Gene: C7 (complement C7; plus strand). Cytogenetic location: 5p13.1.
Variant type: single nucleotide variant.
Coding change: c.2104T>C on transcript NM_000587.4 (MANE Select); coding-DNA position 2104, T replaced by C.
Protein change: p.Cys702Arg; replaces cysteine 702 with arginine.
Molecular consequence: missense variant.
Genome position (GRCh38, 1-based): chr5:40,976,779, T>C. VCF-style: chr5-40976779-T-C. GRCh37 (hg19) VCF-style: chr5-40976881-T-C.
Other names: short protein forms C702R.
Identifiers: ClinVar variation 1365822 (VCV001365822.8), dbSNP rs769933593, ClinGen allele CA359594262.

ClinVar aggregate classification (germline): Uncertain significance (1 of 4 stars; one submission).

gnomAD v4.1: 1 of 1,604,944 alleles (0.000062%); highest among the groups gnomAD compares: Non-Finnish European, 0.000085%; no homozygotes.

Submission:

Labcorp Genetics (formerly Invitae), Labcorp
Classification: Uncertain significance. Last evaluated: 2021-07-04. Review status: criteria provided, single submitter. Criteria: Invitae Variant Classification Sherloc (09022015). Collection method: clinical testing. Allele origin: germline.
Comment: In summary, the available evidence is currently insufficient to determine the role of this variant in disease. Therefore, it has been classified as a Variant of Uncertain Significance. Algorithms developed to predict the effect of missense changes on protein structure and function are either unavailable or do not agree on the potential impact of this missense change (SIFT: "Deleterious"; PolyPhen-2: "Probably Damaging"; Align-GVGD: "Class C0"). This variant has not been reported in the literature in individuals affected with C7-related conditions. This variant is not present in population databases (ExAC no frequency). This sequence change replaces cysteine with arginine at codon 702 of the C7 protein (p.Cys702Arg). The cysteine residue is highly conserved and there is a large physicochemical difference between cysteine and arginine.